The following is an entry in ClinVar:

ClinVar aggregate classification (germline): Uncertain significance (1 of 4 stars; one submission).

Submission:

Labcorp Genetics (formerly Invitae), Labcorp
Classification: Uncertain significance. Last evaluated: 2023-11-04. Review status: criteria provided, single submitter. Criteria: Invitae Variant Classification Sherloc (09022015). Collection method: clinical testing. Allele origin: germline.
Comment: This sequence change replaces tyrosine, which is neutral and polar, with asparagine, which is neutral and polar, at codon 856 of the COL18A1 protein (p.Tyr856Asn). This variant is not present in population databases (gnomAD no frequency). This variant has not been reported in the literature in individuals affected with COL18A1-related conditions. Experimental studies and prediction algorithms are not available or were not evaluated, and the functional significance of this variant is currently unknown. In summary, the available evidence is currently insufficient to determine the role of this variant in disease. Therefore, it has been classified as a Variant of Uncertain Significance.

NM_001379500.1(COL18A1):c.2566T>A (p.Tyr856Asn)

Gene: COL18A1 (collagen type XVIII alpha 1 chain; plus strand). Cytogenetic location: 21q22.3.
Variant type: single nucleotide variant.
Coding change: c.2566T>A on transcript NM_001379500.1 (MANE Select); coding-DNA position 2566, T replaced by A.
Protein change: p.Tyr856Asn; replaces tyrosine 856 with asparagine.
Molecular consequence: missense variant.
Genome position (GRCh38, 1-based): chr21:45,496,557, T>A. VCF-style: chr21-45496557-T-A. GRCh37 (hg19) VCF-style: chr21-46916471-T-A.
Other names: c.3106T>A, p.Tyr1036Asn (NM_030582.4); c.3811T>A, p.Tyr1271Asn (NM_130444.3); short protein forms Y1271N, Y1036N, Y856N.
Identifiers: ClinVar variation 2693244 (VCV002693244.3), dbSNP rs2517715225, ClinGen allele CA410498005.